The following is an entry in ClinVar:

NM_014425.5(INVS):c.1571+32dup

Gene: INVS (inversin; plus strand). Cytogenetic location: 9q31.1.
Variant type: Duplication.
Coding change: c.1571+32dup on transcript NM_014425.5 (MANE Select); 32 bases into the intron after coding-DNA position 1571, one base duplicated (T; older notation c.1571+32dupT).
Molecular consequence: intron variant.
Genome position (GRCh38, 1-based): chr9:100,264,960, T duplicated; the last of 16 consecutive T bases (chr9:100,264,945-100,264,960); duplicating any one gives the same sequence. VCF-style (leftmost placement, unchanged base first): chr9-100264944-C-CT. GRCh37 (hg19) VCF-style: chr9-103027226-C-CT.
Other names: p.?; c.1283+32dup (NM_001318381.2); c.593+32dup (NM_001318382.2).
Identifiers: ClinVar variation 4683412 (VCV004683412.2).

ClinVar aggregate classification (germline): Benign/Likely benign. Review status: criteria provided, multiple submitters, no conflicts (2 of 4 stars). 2 submissions from 2 submitters: Benign (1); Likely benign (1). Last evaluated 2024-12-10.

Submissions (2):

Mayo Clinic Laboratories, Mayo Clinic
Classification: Benign. Last evaluated: 2024-12-10. Review status: criteria provided, single submitter. Criteria: ACMG Guidelines, 2015. Collection method: clinical testing. Allele origin: germline. Observed: 166 variant alleles.
Comment: BA1

Blueprint Genetics
Classification: Likely benign. Last evaluated: 2024-11-27. Review status: criteria provided, single submitter. Criteria: ACMG Guidelines, 2015. Collection method: clinical testing. Allele origin: germline.